The following is an entry in ClinVar:

NM_001271.4(CHD2):c.4861A>G (p.Arg1621Gly)

Gene: CHD2 (chromodomain helicase DNA binding protein 2; plus strand). Cytogenetic location: 15q26.1.
Variant type: single nucleotide variant.
Coding change: c.4861A>G on transcript NM_001271.4 (MANE Select); coding-DNA position 4861, A replaced by G.
Protein change: p.Arg1621Gly; replaces arginine 1621 with glycine.
Molecular consequence: missense variant.
Genome position (GRCh38, 1-based): chr15:93,014,864, A>G. VCF-style: chr15-93014864-A-G. GRCh37 (hg19) VCF-style: chr15-93558094-A-G.
Other names: short protein forms R1621G.
Identifiers: ClinVar variation 4994998 (VCV004994998.1).

ClinVar aggregate classification (germline): Uncertain significance (1 of 4 stars; one submission).

Conditions:
CHD2-related disorder. Also called: CHD2-related condition.

Submission:

PreventionGenetics, part of Exact Sciences
Classification: Uncertain significance for CHD2-related condition. Last evaluated: 2026-08-28. Review status: criteria provided, single submitter. Criteria: ACMG Guidelines, 2015. Collection method: clinical testing. Allele origin: germline.
Comment: The CHD2 c.4861A>G variant is predicted to result in the amino acid substitution p.Arg1621Gly. To our knowledge, this variant has not been reported in the literature or in a large population database (gnomAD), indicating this variant is rare. At this time, the clinical significance of this variant is uncertain due to the absence of conclusive functional and genetic evidence.